The following is an entry in ClinVar:

ClinVar aggregate classification (germline): Uncertain significance (1 of 4 stars; one submission).

gnomAD v4.1: 1 of 1,552,876 alleles (0.000064%); no homozygotes.

Submission:

GeneDx
Classification: Uncertain significance. Last evaluated: 2021-11-18. Review status: criteria provided, single submitter. Criteria: GeneDx Variant Classification Process June 2021. Collection method: clinical testing. Allele origin: germline. Affected: yes.
Comment: In silico analysis supports that this missense variant has a deleterious effect on protein structure/function; Has not been previously published as pathogenic or benign to our knowledge

NM_001378452.1(ITPR1):c.4979G>C (p.Gly1660Ala)

Genes: BRRIAR (BHLHE40 and RIG-I regulating ITPR1 antisense RNA; minus strand), ITPR1 (inositol 1,4,5-trisphosphate receptor type 1; plus strand). Cytogenetic location: 3p26.1.
Variant type: single nucleotide variant.
Coding change: c.4979G>C on transcript NM_001378452.1 (MANE Select); coding-DNA position 4979, G replaced by C.
Protein change: p.Gly1660Ala; replaces glycine 1660 with alanine.
Molecular consequence: missense variant.
Genome position (GRCh38, 1-based): chr3:4,710,461, G>C. VCF-style: chr3-4710461-G-C. GRCh37 (hg19) VCF-style: chr3-4752145-G-C.
Other names: c.4952G>C, p.Gly1651Ala (NM_001099952.4); c.4934G>C, p.Gly1645Ala (NM_001168272.2); c.4907G>C, p.Gly1636Ala (NM_002222.7); short protein forms G1636A, G1645A, G1651A, G1660A.
Identifiers: ClinVar variation 1686744 (VCV001686744.2), dbSNP rs752673732, ClinGen allele CA2232142.
Genomic context (GRCh38, chr3:4,710,461, plus strand): 5'-ACAGACCCGAGCTGCTTTTCCCAGAGAACACAGACGCCAGAAGGAAATGTGAAAGTGGCG[G>C]TTTCATTTGCAAGTAAGCGGCCTCTCTCTCTGGGGTGTTCATTTGCCAGAACCTTGATGA-3'
Protein context (NP_001365381.1, residues 1650-1670): TDARRKCESG[Gly1660Ala]FICKLIKHTK